The following is an entry in ClinVar:

ClinVar aggregate classification (germline): Uncertain significance (1 of 4 stars; one submission).

Submission:

Ambry Genetics
Classification: Uncertain significance. Last evaluated: 2025-05-29. Review status: criteria provided, single submitter. Criteria: Ambry Variant Classification Scheme 2023. Collection method: clinical testing. Allele origin: germline.
Comment: The p.R1430G variant (also known as c.4288C>G), located in coding exon 12 of the MLH3 gene, results from a C to G substitution at nucleotide position 4288. The arginine at codon 1430 is replaced by glycine, an amino acid with dissimilar properties. This amino acid position is conserved. In addition, this alteration is predicted to be tolerated by in silico analysis. Based on the available evidence, the clinical significance of this variant remains unclear.

NM_001040108.2(MLH3):c.4288C>G (p.Arg1430Gly)

Gene: MLH3 (mutL homolog 3; minus strand). Cytogenetic location: 14q24.3.
Variant type: single nucleotide variant.
Coding change: c.4288C>G on transcript NM_001040108.2 (MANE Select); coding-DNA position 4288, C replaced by G.
Protein change: p.Arg1430Gly; replaces arginine 1430 with glycine.
Molecular consequence: missense variant.
Genome position (GRCh38, 1-based): chr14:75,017,156, G>C on the plus strand (C>G on the coding strand, the complement: MLH3 is on the minus strand). VCF-style: chr14-75017156-G-C. GRCh37 (hg19) VCF-style: chr14-75483859-G-C.
Other names: c.4216C>G, p.Arg1406Gly (NM_014381.3); short protein forms R1430G, R1406G.
Identifiers: ClinVar variation 4055515 (VCV004055515.1).